The following is an entry in ClinVar:

NM_178012.5(TUBB2B):c.976G>C (p.Val326Leu)

Gene: TUBB2B (tubulin beta 2B class IIb; minus strand). Cytogenetic location: 6p25.2.
Variant type: single nucleotide variant.
Coding change: c.976G>C on transcript NM_178012.5 (MANE Select); coding-DNA position 976, G replaced by C.
Protein change: p.Val326Leu; replaces valine 326 with leucine.
Molecular consequence: missense variant.
Genome position (GRCh38, 1-based): chr6:3,225,113, C>G on the plus strand (G>C on the coding strand, the complement: TUBB2B is on the minus strand). VCF-style: chr6-3225113-C-G. GRCh37 (hg19) VCF-style: chr6-3225347-C-G.
Other names: short protein forms V326L.
Identifiers: ClinVar variation 3361508 (VCV003361508.1).
Genomic context (GRCh38, chr6:3,225,113, plus strand): 5'-GGATCCACTCCACGAAGTAGCTGCTGTTCTTGTTCTGCACGTTGAGCATCTGCTCGTCCA[C>G]CTCCTTCATGGACATGCGGCCCCGGAAGATGGCAGCCACCGTCAGGTAGCGGCCGTGGCG-3'
Protein context (NP_821080.1, residues 316-336): IFRGRMSMKE[Val326Leu]DEQMLNVQNK

ClinVar aggregate classification (germline): Uncertain significance (1 of 4 stars; one submission).

Submission:

GeneDx
Classification: Uncertain significance. Last evaluated: 2023-07-23. Review status: criteria provided, single submitter. Criteria: GeneDx Variant Classification Process June 2021. Collection method: clinical testing. Allele origin: germline. Affected: yes.
Comment: Not observed at significant frequency in large population cohorts (gnomAD); Missense variants in this gene are often considered pathogenic (HGMD); In silico analysis supports that this missense variant does not alter protein structure/function; Has not been previously published as pathogenic or benign to our knowledge; This variant is associated with the following publications: (PMID: 27010057)